The following is an entry in ClinVar:

NM_001846.4(COL4A2):c.1011G>A (p.Lys337=)

Gene: COL4A2 (collagen type IV alpha 2 chain; plus strand). Cytogenetic location: 13q34.
Variant type: single nucleotide variant.
Coding change: c.1011G>A on transcript NM_001846.4 (MANE Select); coding-DNA position 1011, G replaced by A.
Protein change: p.Lys337=; no amino-acid change (lysine 337 retained).
Molecular consequence: synonymous variant.
Genome position (GRCh38, 1-based): chr13:110,445,882, G>A. VCF-style: chr13-110445882-G-A. GRCh37 (hg19) VCF-style: chr13-111098229-G-A.
Other names: p.Lys337=.
Identifiers: ClinVar variation 776812 (VCV000776812.19), dbSNP rs147765396, ClinGen allele CA7049266.
Genomic context (GRCh38, chr13:110,445,882, plus strand): 5'-CTTGCAGGGAAGCCGAGGCCTGGATGGCTATCAAGGGCCTGATGGACCCCGGGGACCCAA[G>A]GTGAGCCCGTTTCTCATGTCTTTGCCACTTATGGTGTCTCGCCCACCCTGGCTGGCCTTA-3'
Protein context (NP_001837.2, residues 327-347): YQGPDGPRGP[Lys337=]GEAGDPGPPG

ClinVar aggregate classification (germline): Benign/Likely benign. Review status: criteria provided, multiple submitters, no conflicts (2 of 4 stars). 7 submissions from 7 submitters: Benign (2); Likely benign (2). 3 of the submissions do not count toward it. Last evaluated 2026-01-18.

Conditions:
COL4A2-related disorder. Also called: COL4A2-related disorders; COL4A2-related condition.

Allele frequency attached by ClinVar (database versions not stated): gnomAD exomes 0.00062 and 0.00173; ExAC 0.00208; gnomAD 0.00632 and 0.00683; TOPMed 0.00717; ESP Exome Variant Server 0.00731; 1000 Genomes Project 0.00779; 1000 Genomes Project 30x 0.00843.
gnomAD v4.1: 1,908 of 1,614,158 alleles (0.12%); highest among the groups gnomAD compares: African/African-American, 2.3%; 13 homozygotes.

Submissions (27):

Labcorp Genetics (formerly Invitae), Labcorp
Classification: Benign. Last evaluated: 2026-01-18. Review status: criteria provided, single submitter. Criteria: Invitae Variant Classification Sherloc (09022015). Collection method: clinical testing. Allele origin: germline.

Mayo Clinic Laboratories, Mayo Clinic
Classification: Benign. Last evaluated: 2025-03-06. Review status: criteria provided, single submitter. Criteria: ACMG Guidelines, 2015. Collection method: clinical testing. Allele origin: germline. Observed: 3 variant alleles.
Comment: BA1, BS2

GeneDx
Classification: Likely benign. Last evaluated: 2021-06-25. Review status: criteria provided, single submitter. Criteria: GeneDx Variant Classification Process June 2021. Collection method: clinical testing. Allele origin: germline. Affected: yes.

Breakthrough Genomics
Classification: Likely benign. Review status: criteria provided, single submitter. Criteria: ACMG Guidelines, 2015. Collection method: not provided. Allele origin: germline. Inheritance: Autosomal dominant inheritance. Affected: yes.

PreventionGenetics, part of Exact Sciences
Classification: Benign for COL4A2-related condition. Last evaluated: 2024-05-06. Review status: no assertion criteria provided. Collection method: clinical testing. Allele origin: germline. Not counted in ClinVar's aggregate classification.
Comment: This variant is classified as benign based on ACMG/AMP sequence variant interpretation guidelines (Richards et al. 2015 PMID: 25741868, with internal and published modifications).

Clinical Genetics DNA and cytogenetics Diagnostics Lab, Erasmus MC, Erasmus Medical Center
Classification: Likely benign. Review status: no assertion criteria provided. Collection method: clinical testing. Allele origin: germline. Affected: yes. Study: VKGL Data-share Consensus. Not counted in ClinVar's aggregate classification.

Dr. Peter K. Rogan Lab, Western University
No classification provided (evidence only). Condition: Malignant tumor of urinary bladder. Review status: no classification provided. Collection method: in vitro. Allele origin: not applicable. Functional consequence: skipped exon, retained intron. Not counted in ClinVar's aggregate classification.

Dr. Peter K. Rogan Lab, Western University
No classification provided (evidence only). Condition: Clear cell carcinoma of kidney. Review status: no classification provided. Collection method: in vitro. Allele origin: not applicable. Functional consequence: skipped exon, retained intron. Not counted in ClinVar's aggregate classification.

Dr. Peter K. Rogan Lab, Western University
No classification provided (evidence only). Condition: Clear cell carcinoma of kidney. Review status: no classification provided. Collection method: in vitro. Allele origin: not applicable. Functional consequence: retained intron. Not counted in ClinVar's aggregate classification.

Dr. Peter K. Rogan Lab, Western University
No classification provided (evidence only). Condition: Clear cell carcinoma of kidney. Review status: no classification provided. Collection method: in vitro. Allele origin: not applicable. Functional consequence: skipped exon, retained intron. Not counted in ClinVar's aggregate classification.

Dr. Peter K. Rogan Lab, Western University
No classification provided (evidence only). Condition: Clear cell carcinoma of kidney. Review status: no classification provided. Collection method: in vitro. Allele origin: not applicable. Functional consequence: skipped exon, retained intron. Not counted in ClinVar's aggregate classification.

Dr. Peter K. Rogan Lab, Western University
No classification provided (evidence only). Condition: Lung cancer. Review status: no classification provided. Collection method: in vitro. Allele origin: not applicable. Functional consequence: retained intron. Not counted in ClinVar's aggregate classification.

Dr. Peter K. Rogan Lab, Western University
No classification provided (evidence only). Condition: Lung cancer. Review status: no classification provided. Collection method: in vitro. Allele origin: not applicable. Functional consequence: retained intron. Not counted in ClinVar's aggregate classification.

Dr. Peter K. Rogan Lab, Western University
No classification provided (evidence only). Condition: Lung cancer. Review status: no classification provided. Collection method: in vitro. Allele origin: not applicable. Functional consequence: retained intron. Not counted in ClinVar's aggregate classification.

Dr. Peter K. Rogan Lab, Western University
No classification provided (evidence only). Condition: Familial cancer of breast. Review status: no classification provided. Collection method: in vitro. Allele origin: not applicable. Functional consequence: skipped exon, retained intron. Not counted in ClinVar's aggregate classification.

Dr. Peter K. Rogan Lab, Western University
No classification provided (evidence only). Condition: Familial cancer of breast. Review status: no classification provided. Collection method: in vitro. Allele origin: not applicable. Functional consequence: skipped exon, retained intron. Not counted in ClinVar's aggregate classification.

Dr. Peter K. Rogan Lab, Western University
No classification provided (evidence only). Condition: Familial cancer of breast. Review status: no classification provided. Collection method: in vitro. Allele origin: not applicable. Functional consequence: retained intron. Not counted in ClinVar's aggregate classification.

Dr. Peter K. Rogan Lab, Western University
No classification provided (evidence only). Condition: Thyroid cancer, nonmedullary, 1. Review status: no classification provided. Collection method: in vitro. Allele origin: not applicable. Functional consequence: retained intron. Not counted in ClinVar's aggregate classification.

Dr. Peter K. Rogan Lab, Western University
No classification provided (evidence only). Condition: Thyroid cancer, nonmedullary, 1. Review status: no classification provided. Collection method: in vitro. Allele origin: not applicable. Functional consequence: retained intron. Not counted in ClinVar's aggregate classification.

Dr. Peter K. Rogan Lab, Western University
No classification provided (evidence only). Condition: Uterine corpus endometrial carcinoma. Review status: no classification provided. Collection method: in vitro. Allele origin: not applicable. Functional consequence: skipped exon, retained intron. Not counted in ClinVar's aggregate classification.

Dr. Peter K. Rogan Lab, Western University
No classification provided (evidence only). Condition: Cervical cancer. Review status: no classification provided. Collection method: in vitro. Allele origin: not applicable. Functional consequence: retained intron. Not counted in ClinVar's aggregate classification.

Dr. Peter K. Rogan Lab, Western University
No classification provided (evidence only). Condition: Hepatocellular carcinoma. Review status: no classification provided. Collection method: in vitro. Allele origin: not applicable. Functional consequence: retained intron. Not counted in ClinVar's aggregate classification.

Dr. Peter K. Rogan Lab, Western University
No classification provided (evidence only). Condition: Ovarian serous cystadenocarcinoma. Review status: no classification provided. Collection method: in vitro. Allele origin: not applicable. Functional consequence: retained intron. Not counted in ClinVar's aggregate classification.

Dr. Peter K. Rogan Lab, Western University
No classification provided (evidence only). Condition: Adrenocortical carcinoma, hereditary. Review status: no classification provided. Collection method: in vitro. Allele origin: not applicable. Functional consequence: retained intron. Not counted in ClinVar's aggregate classification.

Dr. Peter K. Rogan Lab, Western University
No classification provided (evidence only). Condition: Uterine carcinosarcoma. Review status: no classification provided. Collection method: in vitro. Allele origin: not applicable. Functional consequence: skipped exon, retained intron. Not counted in ClinVar's aggregate classification.

Dr. Peter K. Rogan Lab, Western University
No classification provided (evidence only). Condition: Malignant tumor of esophagus. Review status: no classification provided. Collection method: in vitro. Allele origin: not applicable. Functional consequence: skipped exon, retained intron. Not counted in ClinVar's aggregate classification.

Laboratory of Diagnostic Genome Analysis, Leiden University Medical Center (LUMC)
Classification: Likely benign. Review status: no assertion criteria provided. Collection method: clinical testing. Allele origin: germline. Affected: yes. Study: VKGL Data-share Consensus. Not counted in ClinVar's aggregate classification.

Literature cited by the submitters: PubMed 22209247 (cited by Mayo Clinic Laboratories, Mayo Clinic); PubMed 32515830 (cited by Mayo Clinic Laboratories, Mayo Clinic).